The following is an entry in ClinVar:

ClinVar aggregate classification (germline): Uncertain significance (1 of 4 stars; one submission).

Conditions:
Sphingolipid activator protein 1 deficiency. Also called: Metachromatic leukodystrophy due to saposin B deficiency; Saposin B Deficiency; METACHROMATIC LEUKODYSTROPHY DUE TO CEREBROSIDE SULFATASE ACTIVATOR DEFICIENCY. Identifiers: Orphanet 512, MedGen C0268262, MONDO:0009590, OMIM 249900.

Allele frequency attached by ClinVar (database versions not stated): gnomAD exomes below 0.00001; ExAC 0.00001; gnomAD 0.00002; TOPMed 0.00002.
gnomAD v4.1: 4 of 1,614,070 alleles (0.00025%); highest among the groups gnomAD compares: African/African-American, 0.0053%; no homozygotes.

Submission:

Labcorp Genetics (formerly Invitae), Labcorp
Classification: Uncertain significance for Sphingolipid activator protein 1 deficiency. Last evaluated: 2022-05-06. Review status: criteria provided, single submitter. Criteria: Invitae Variant Classification Sherloc (09022015). Collection method: clinical testing. Allele origin: germline.
Comment: This sequence change replaces leucine, which is neutral and non-polar, with valine, which is neutral and non-polar, at codon 353 of the PSAP protein (p.Leu353Val). This variant is present in population databases (rs752502422, gnomAD 0.007%). This variant has not been reported in the literature in individuals affected with PSAP-related conditions. Algorithms developed to predict the effect of missense changes on protein structure and function output the following: SIFT: "Not Available"; PolyPhen-2: "Benign"; Align-GVGD: "Not Available". The valine amino acid residue is found in multiple mammalian species, which suggests that this missense change does not adversely affect protein function. In summary, the available evidence is currently insufficient to determine the role of this variant in disease. Therefore, it has been classified as a Variant of Uncertain Significance.

NM_002778.4(PSAP):c.1057C>G (p.Leu353Val)

Gene: PSAP (prosaposin; minus strand). Cytogenetic location: 10q22.1.
Variant type: single nucleotide variant.
Coding change: c.1057C>G on transcript NM_002778.4 (MANE Select); coding-DNA position 1057, C replaced by G.
Protein change: p.Leu353Val; replaces leucine 353 with valine.
Molecular consequence: missense variant.
Genome position (GRCh38, 1-based): chr10:71,819,849, G>C on the plus strand (C>G on the coding strand, the complement: PSAP is on the minus strand). VCF-style: chr10-71819849-G-C. GRCh37 (hg19) VCF-style: chr10-73579606-G-C.
Other names: c.1066C>G, p.Leu356Val (NM_001042465.3); c.1063C>G, p.Leu355Val (NM_001042466.3); short protein forms L353V, L355V, L356V.
Identifiers: ClinVar variation 2184320 (VCV002184320.1), dbSNP rs752502422, ClinGen allele CA5547493.